The following is an entry in ClinVar:

ClinVar aggregate classification (germline): Uncertain significance. Review status: criteria provided, multiple submitters, no conflicts (2 of 4 stars). 2 submissions from 2 submitters: Uncertain significance (2). Last evaluated 2025-09-25.

Conditions:
Cardiovascular phenotype. Identifiers: MedGen CN230736.
Long QT syndrome 6 (LQT6). Identifiers: Orphanet 101016, Orphanet 768, MedGen C3150953, MONDO:0013370, OMIM 613693.

Allele frequency attached by ClinVar (database versions not stated): gnomAD exomes below 0.00001; TOPMed below 0.00001; ExAC 0.00002.
gnomAD v4.1: 1 of 1,614,182 alleles (0.000062%); highest among the groups gnomAD compares: South Asian, 0.0011%; no homozygotes.

Submissions (2):

Ambry Genetics
Classification: Uncertain significance for Cardiovascular phenotype. Last evaluated: 2025-09-25. Review status: criteria provided, single submitter. Criteria: Ambry Variant Classification Scheme 2023. Collection method: clinical testing. Allele origin: germline.

Labcorp Genetics (formerly Invitae), Labcorp
Classification: Uncertain significance for Long QT syndrome 6. Last evaluated: 2022-07-01. Review status: criteria provided, single submitter. Criteria: Invitae Variant Classification Sherloc (09022015). Collection method: clinical testing. Allele origin: germline.
Comment: In summary, the available evidence is currently insufficient to determine the role of this variant in disease. Therefore, it has been classified as a Variant of Uncertain Significance. Algorithms developed to predict the effect of missense changes on protein structure and function are either unavailable or do not agree on the potential impact of this missense change (SIFT: "Tolerated"; PolyPhen-2: "Possibly Damaging"; Align-GVGD: "Class C0"). This variant has not been reported in the literature in individuals affected with KCNE2-related conditions. This variant is present in population databases (rs767031659, gnomAD 0.003%). This sequence change replaces alanine, which is neutral and non-polar, with glycine, which is neutral and non-polar, at codon 39 of the KCNE2 protein (p.Ala39Gly).

NM_172201.2(KCNE2):c.116C>G (p.Ala39Gly)

Genes: KCNE2 (potassium voltage-gated channel subfamily E regulatory subunit 2; plus strand), LOC105372791 (uncharacterized LOC105372791; minus strand). Cytogenetic location: 21q22.11.
Variant type: single nucleotide variant.
Coding change: c.116C>G on transcript NM_172201.2 (MANE Select); coding-DNA position 116, C replaced by G.
Protein change: p.Ala39Gly; replaces alanine 39 with glycine.
Molecular consequence: missense variant.
Genome position (GRCh38, 1-based): chr21:34,370,594, C>G. VCF-style: chr21-34370594-C-G. GRCh37 (hg19) VCF-style: chr21-35742893-C-G.
Other names: short protein forms A39G.
Identifiers: ClinVar variation 2082091 (VCV002082091.5), dbSNP rs767031659, ClinGen allele CA10013404.